The following is an entry in ClinVar:

ClinVar aggregate classification (germline): Benign. Review status: criteria provided, multiple submitters, no conflicts (2 of 4 stars). 3 submissions from 3 submitters: Benign (2). 1 of the submissions does not count toward it. Last evaluated 2016-03-29.

Conditions:
PXDNL-related disorder. Also called: PXDNL-related condition.

Allele frequency attached by ClinVar (database versions not stated): 1000 Genomes Project 30x 0.00531; 1000 Genomes Project 0.00579; TOPMed 0.00935; ESP Exome Variant Server 0.01089; ExAC 0.01128; gnomAD 0.01143 and 0.01172; gnomAD exomes 0.01195 and 0.01309.
gnomAD v4.1: 20,613 of 1,600,496 alleles (1.3%); highest among the groups gnomAD compares: Middle Eastern, 1.4%; 167 homozygotes.

Submissions (3):

Laboratory for Molecular Medicine, Mass General Brigham Personalized Medicine
Classification: Benign. Last evaluated: 2016-03-29. Review status: criteria provided, single submitter. Criteria: LMM Criteria. Collection method: clinical testing. Allele origin: germline.
Comment: Variant identified in a genome or exome case(s) and assessed due to predicted null impact of the variant or pathogenic assertions in the literature or databases. Disclaimer: This variant has not undergone full assessment. The following are preliminary notes: Frequency, silent variant

Breakthrough Genomics
Classification: Benign. Review status: criteria provided, single submitter. Criteria: ACMG Guidelines, 2015. Collection method: not provided. Allele origin: germline. Inheritance: Unknown mechanism. Affected: yes.

PreventionGenetics, part of Exact Sciences
Classification: Benign for PXDNL-related condition. Last evaluated: 2019-10-14. Review status: no assertion criteria provided. Collection method: clinical testing. Allele origin: germline. Not counted in ClinVar's aggregate classification.
Comment: This variant is classified as benign based on ACMG/AMP sequence variant interpretation guidelines (Richards et al. 2015 PMID: 25741868, with internal and published modifications).

NM_144651.5(PXDNL):c.2946C>T (p.Ala982=)

Gene: PXDNL (peroxidasin like; minus strand). Cytogenetic location: 8q11.22.
Variant type: single nucleotide variant.
Coding change: c.2946C>T on transcript NM_144651.5 (MANE Select); coding-DNA position 2946, C replaced by T.
Protein change: p.Ala982=; no amino-acid change (alanine 982 retained).
Molecular consequence: synonymous variant.
Genome position (GRCh38, 1-based): chr8:51,408,678, G>A on the plus strand (C>T on the coding strand, the complement: PXDNL is on the minus strand). VCF-style: chr8-51408678-G-A. GRCh37 (hg19) VCF-style: chr8-52321238-G-A.
Identifiers: ClinVar variation 403355 (VCV000403355.7), dbSNP rs141024159, ClinGen allele CA4744913.
Genomic context (GRCh38, chr8:51,408,678, plus strand): 5'-CCTGGCTTCCTGGTAAACCGTGTTTCCCTCCCAGTGGGGGTTCAGGGCGGACAGCTCCGT[G>A]GCCATCCTGTTGTGTTCCCGGAACCACAGGGTGTGCATGGCGGCCAGAGCCAGATGCTCG-3'
Protein context (NP_653252.4, residues 972-992): TLWFREHNRM[Ala982=]TELSALNPHW